The following is an entry in ClinVar:

NM_000492.4(CFTR):c.3719T>G (p.Val1240Gly)

Genes: CFTR (CF transmembrane conductance regulator; plus strand), CFTR-AS2 (CFTR antisense RNA 2; minus strand). Cytogenetic location: 7q31.2.
Variant type: single nucleotide variant.
Coding change: c.3719T>G on transcript NM_000492.4 (MANE Select); coding-DNA position 3719, T replaced by G.
Protein change: p.Val1240Gly; replaces valine 1240 with glycine.
Molecular consequence: missense variant.
Genome position (GRCh38, 1-based): chr7:117,642,439, T>G. VCF-style: chr7-117642439-T-G. GRCh37 (hg19) VCF-style: chr7-117282493-T-G.
Other names: short protein forms V1240G.
Identifiers: ClinVar variation 53795 (VCV000053795.13), dbSNP rs397508598, ClinGen allele CA327262.

ClinVar aggregate classification (germline): Pathogenic. Review status: reviewed by expert panel (3 of 4 stars). 7 submissions from 7 submitters: Pathogenic (1). 6 of the submissions do not count toward it. Last evaluated 2018-08-31.

Conditions:
CFTR-related disorder (CFTR-RD). Also called: CFTR-related condition; CFTR-related disorders. Identifiers: MedGen C5924204, MONDO:7770004.
Cystic fibrosis (CF). Also called: MUCOVISCIDOSIS. Identifiers: Orphanet 586, MedGen C0010674, MONDO:0009061, OMIM 219700. Disease mechanism: loss of function.

Allele frequency attached by ClinVar (database versions not stated): gnomAD exomes below 0.00001.
gnomAD v4.1: 3 of 1,613,402 alleles (0.00019%); highest among the groups gnomAD compares: Non-Finnish European, 0.00025%; no homozygotes.

Submissions (7):

CFTR2
Classification: Pathogenic for Cystic fibrosis. Last evaluated: 2018-08-31. Review status: reviewed by expert panel. Criteria: Sosnay PR et al. (Nat Genet 2013). Collection method: research. Allele origin: germline. Affected: yes.

PreventionGenetics, part of Exact Sciences
Classification: Likely pathogenic for CFTR-related condition. Last evaluated: 2025-12-12. Review status: criteria provided, single submitter. Criteria: ACMG Guidelines, 2015. Collection method: clinical testing. Allele origin: germline. Not counted in ClinVar's aggregate classification.
Comment: The CFTR c.3719T>G variant is predicted to result in the amino acid substitution p.Val1240Gly. This variant was reported, along with a second known causative variant in the same gene, in newborns that were positive for cystic fibrosis on newborn screening (Sobczynska-Tomaszewska et al. 2013. PubMed ID: 22892530; supplementary data, McCague et al. 2019. PubMed ID: 30888834). This variant was also reported in a large cohort of individuals with cystic fibrosis (Lucarelli et al. 2015. PubMed ID: 25910067). This variant is reported in 0.00088% of alleles in individuals of European (Non-Finnish) descent in gnomAD. In the ClinVar database, this variant is classified as likely pathogenic or pathogenic by outside laboratories, and has been classified as pathogenic by one expert panel (ClinVar ID: 53795). Taken together, this variant is interpreted as likely pathogenic.

Natera, Inc.
Classification: Likely pathogenic for CFTR-related disorders. Last evaluated: 2024-11-15. Review status: criteria provided, single submitter. Criteria: Natera Variant Classification Schema (03/2026). Collection method: clinical testing. Allele origin: germline. Not counted in ClinVar's aggregate classification.
Comment: The c.3719T>G variant in CFTR is a missense variant predicted to cause substitution of valine to glycine at amino acid 1240. This variant is rare in the general population with a frequency below the threshold expected for the associated phenotype(s). Computational prediction algorithms indicate this variant is likely to affect gene or protein function. Given the available evidence, this variant is classified as Likely Pathogenic.

Women's Health and Genetics/Laboratory Corporation of America, LabCorp
Classification: Pathogenic for Cystic fibrosis. Last evaluated: 2024-08-16. Review status: criteria provided, single submitter. Criteria: LabCorp Variant Classification Summary - May 2015. Collection method: clinical testing. Allele origin: germline. Not counted in ClinVar's aggregate classification.
Comment: Variant summary: CFTR c.3719T>G (p.Val1240Gly) results in a non-conservative amino acid change located in the ABC transporter-like, ATP-binding domain of the encoded protein sequence. Five of five in-silico tools predict a damaging effect of the variant on protein function. The variant allele was found at a frequency of 4e-06 in 250942 control chromosomes (gnomAD). c.3719T>G has been reported in the literature in multiple individuals affected with Cystic Fibrosis and related disorders (e.g. Sobczynska-Tomaszewska_2013, Lucarelli_2015, McCague_2019). These data indicate that the variant is very likely to be associated with disease. At least one publication reports experimental evidence evaluating an impact on protein function. The most pronounced variant effect resulted in approximately 34% of normal chloride channel conductance relative to wild type (e.g., Bihler_2024). The variant is reported to be FDA-approved for treatment with ivacaftor + tezacaftor + elexacaftor and ivacaftor + tezacaftor (Raraigh_2022). The following publications have been ascertained in the context of this evaluation (PMID: 22892530, 18292811, 25910067, 30888834, 33085659, 35527187, 38388235). ClinVar contains an entry for this variant (Variation ID: 53795). Based on the evidence outlined above, the variant was classified as pathogenic.

Labcorp Genetics (formerly Invitae), Labcorp
Classification: Likely pathogenic for Cystic fibrosis. Last evaluated: 2024-03-04. Review status: criteria provided, single submitter. Criteria: Invitae Variant Classification Sherloc (09022015). Collection method: clinical testing. Allele origin: germline. Not counted in ClinVar's aggregate classification.
Comment: This sequence change replaces valine, which is neutral and non-polar, with glycine, which is neutral and non-polar, at codon 1240 of the CFTR protein (p.Val1240Gly). This variant is present in population databases (rs397508598, gnomAD 0.0009%). This missense change has been observed in individuals with clinical features of CFTR-related conditions (PMID: 20059485, 22892530, 23974870, 30888834; Invitae). ClinVar contains an entry for this variant (Variation ID: 53795). An algorithm developed to predict the effect of missense changes on protein structure and function (PolyPhen-2) suggests that this variant is likely to be disruptive. In summary, the currently available evidence indicates that the variant is pathogenic, but additional data are needed to prove that conclusively. Therefore, this variant has been classified as Likely Pathogenic.

Institute of Human Genetics, University of Leipzig Medical Center
Classification: Likely pathogenic for Cystic fibrosis. Last evaluated: 2022-09-05. Review status: criteria provided, single submitter. Criteria: ACMG Guidelines, 2015. Collection method: curation. Allele origin: unknown. Affected: yes. Observed: 1 variant allele. Not counted in ClinVar's aggregate classification.
Comment: The variant was classified in the context of a project re-classifying variants in the German Cystic Fibrosis Registry (Muko.e.V.). Criteria applied: PM2_SUP, PM3_STR, PP3

ClinVar Staff, National Center for Biotechnology Information (NCBI)
No classification provided. Condition: CFTR-related disorders. Review status: no classification provided. Collection method: literature only. Allele origin: germline. Affected: yes. Not counted in ClinVar's aggregate classification.

Literature cited by the submitters: PubMed 22892530 (cited by Women's Health and Genetics/Laboratory Corporation of America, LabCorp and Labcorp Genetics (formerly Invitae), Labcorp); PubMed 18292811 (cited by Women's Health and Genetics/Laboratory Corporation of America, LabCorp); PubMed 25910067 (cited by Women's Health and Genetics/Laboratory Corporation of America, LabCorp); PubMed 30888834 (cited by Women's Health and Genetics/Laboratory Corporation of America, LabCorp and Labcorp Genetics (formerly Invitae), Labcorp); PubMed 33085659 (cited by Women's Health and Genetics/Laboratory Corporation of America, LabCorp); PubMed 35527187 (cited by Women's Health and Genetics/Laboratory Corporation of America, LabCorp); PubMed 38388235 (cited by Women's Health and Genetics/Laboratory Corporation of America, LabCorp); PubMed 20059485 (cited by Labcorp Genetics (formerly Invitae), Labcorp and ClinVar Staff, National Center for Biotechnology Information (NCBI)); PubMed 23974870 (cited by Labcorp Genetics (formerly Invitae), Labcorp).